The following is an entry in ClinVar:

NM_001130438.3(SPTAN1):c.6238C>G (p.Arg2080Gly)

Gene: SPTAN1 (spectrin alpha, non-erythrocytic 1; plus strand). Cytogenetic location: 9q34.11.
Variant type: single nucleotide variant.
Coding change: c.6238C>G on transcript NM_001130438.3 (MANE Select); coding-DNA position 6238, C replaced by G.
Protein change: p.Arg2080Gly; replaces arginine 2080 with glycine.
Molecular consequence: missense variant.
Genome position (GRCh38, 1-based): chr9:128,625,937, C>G. VCF-style: chr9-128625937-C-G. GRCh37 (hg19) VCF-style: chr9-131388216-C-G.
Other names: c.6163C>G, p.Arg2055Gly (NM_001195532.2); c.6238C>G, p.Arg2080Gly (NM_001363759.2, NM_001375310.1, NM_001375311.2 and 1 more transcripts); c.6178C>G, p.Arg2060Gly (NM_001363765.2, NM_001375314.2); c.6274C>G, p.Arg2092Gly (NM_001375312.2, NM_001375318.1); c.6223C>G, p.Arg2075Gly (NM_003127.4); short protein forms R2055G, R2060G, R2092G, R2075G, R2080G.
Identifiers: ClinVar variation 2756863 (VCV002756863.3), dbSNP rs1564315398, ClinGen allele CA375087230.

ClinVar aggregate classification (germline): Uncertain significance (1 of 4 stars; one submission).

Conditions:
Early-infantile DEE. Also called: Ohtahara syndrome; Early infantile epileptic encephalopathy; Early infantile epileptic encephalopathy with suppression bursts. Identifiers: Orphanet 1934, MedGen C0393706, MONDO:0800491.

Submission:

Labcorp Genetics (formerly Invitae), Labcorp
Classification: Uncertain significance for Early-infantile DEE. Last evaluated: 2023-08-31. Review status: criteria provided, single submitter. Criteria: Invitae Variant Classification Sherloc (09022015). Collection method: clinical testing. Allele origin: germline.
Comment: In summary, the available evidence is currently insufficient to determine the role of this variant in disease. Therefore, it has been classified as a Variant of Uncertain Significance. Advanced modeling of protein sequence and biophysical properties (such as structural, functional, and spatial information, amino acid conservation, physicochemical variation, residue mobility, and thermodynamic stability) has been performed at Invitae for this missense variant, however the output from this modeling did not meet the statistical confidence thresholds required to predict the impact of this variant on SPTAN1 protein function. This variant has not been reported in the literature in individuals affected with SPTAN1-related conditions. This variant is not present in population databases (gnomAD no frequency). This sequence change replaces arginine, which is basic and polar, with glycine, which is neutral and non-polar, at codon 2080 of the SPTAN1 protein (p.Arg2080Gly).